The following is an entry in ClinVar:

NM_206926.2(SELENON):c.*1944T>C

Gene: SELENON (selenoprotein N; plus strand). Cytogenetic location: 1p36.11.
Variant type: single nucleotide variant.
Coding change: c.*1944T>C on transcript NM_206926.2 (MANE Select); 1944 bases downstream of the stop codon, T replaced by C.
Molecular consequence: 3 prime UTR variant.
Genome position (GRCh38, 1-based): chr1:25,817,662, T>C. VCF-style: chr1-25817662-T-C. GRCh37 (hg19) VCF-style: chr1-26144153-T-C.
Other names: c.*1944T>C (NM_020451.3).
Identifiers: ClinVar variation 875463 (VCV000875463.4), dbSNP rs144897178, ClinGen allele CA19699440.

ClinVar aggregate classification (germline): Likely benign (1 of 4 stars; one submission).

Conditions:
SEPN1-related disorder. Also called: SEPN1-Related Disorders. Identifiers: MedGen CN239420.

Allele frequency attached by ClinVar (database versions not stated): gnomAD 0.00027 and 0.00014; 1000 Genomes Project 30x 0.00141; 1000 Genomes Project 0.00160; TOPMed 0.00024.

Submission:

Illumina Laboratory Services, Illumina
Classification: Likely benign for SEPN1-Related Disorders. Last evaluated: 2018-01-13. Review status: criteria provided, single submitter. Criteria: ICSL Variant Classification Criteria 13 December 2019. Collection method: clinical testing. Allele origin: germline.
Comment: This variant was observed in the ICSL laboratory as part of a predisposition screen in an ostensibly healthy population. It had not been previously curated by ICSL or reported in the Human Gene Mutation Database (HGMD: prior to June 1st, 2018), and was therefore a candidate for classification through an automated scoring system. Utilizing variant allele frequency, disease prevalence and penetrance estimates, and inheritance mode, an automated score was calculated to assess if this variant is too frequent to cause the disease. Based on the score and internal cut-off values, a variant classified as likely benign is not then subjected to further curation. The score for this variant resulted in a classification of likely benign for this disease.